The following is an entry in ClinVar:

NM_001385641.1(SAMD11):c.716G>C (p.Gly239Ala)

Gene: SAMD11 (sterile alpha motif domain containing 11; plus strand). Cytogenetic location: 1p36.33.
Variant type: single nucleotide variant.
Coding change: c.716G>C on transcript NM_001385641.1 (MANE Select); coding-DNA position 716, G replaced by C.
Protein change: p.Gly239Ala; replaces glycine 239 with alanine.
Molecular consequence: missense variant.
Genome position (GRCh38, 1-based): chr1:930,261, G>C. VCF-style: chr1-930261-G-C. GRCh37 (hg19) VCF-style: chr1-865641-G-C.
Other names: c.716G>C, p.Gly239Ala (NM_001385640.1); c.179G>C, p.Gly60Ala (NM_152486.4); short protein forms G239A, G60A.
Identifiers: ClinVar variation 1473769 (VCV001473769.8), dbSNP rs2100306794, ClinGen allele CA337791940.

ClinVar aggregate classification (germline): Uncertain significance (1 of 4 stars; one submission).

Submission:

Labcorp Genetics (formerly Invitae), Labcorp
Classification: Uncertain significance. Last evaluated: 2022-07-06. Review status: criteria provided, single submitter. Criteria: Invitae Variant Classification Sherloc (09022015). Collection method: clinical testing. Allele origin: germline.
Comment: In summary, the available evidence is currently insufficient to determine the role of this variant in disease. Therefore, it has been classified as a Variant of Uncertain Significance. Algorithms developed to predict the effect of missense changes on protein structure and function (SIFT, PolyPhen-2, Align-GVGD) all suggest that this variant is likely to be tolerated. ClinVar contains an entry for this variant (Variation ID: 1473769). This variant has not been reported in the literature in individuals affected with SAMD11-related conditions. This variant is not present in population databases (gnomAD no frequency). This sequence change replaces glycine, which is neutral and non-polar, with alanine, which is neutral and non-polar, at codon 60 of the SAMD11 protein (p.Gly60Ala).